The following is an entry in ClinVar:

NM_000054.7(AVPR2):c.105G>A (p.Leu35=)

Gene: AVPR2 (arginine vasopressin receptor 2; plus strand). Cytogenetic location: Xq28.
Variant type: single nucleotide variant.
Coding change: c.105G>A on transcript NM_000054.7 (MANE Select); coding-DNA position 105, G replaced by A.
Protein change: p.Leu35=; no amino-acid change (leucine 35 retained).
Molecular consequence: synonymous variant.
Genome position (GRCh38, 1-based): chrX:153,905,611, G>A. VCF-style: chrX-153905611-G-A. GRCh37 (hg19) VCF-style: chrX-153171065-G-A.
Other names: c.105G>A, p.Leu35= (NM_001146151.3).
Identifiers: ClinVar variation 733041 (VCV000733041.14), dbSNP rs5197, ClinGen allele CA10554946.

ClinVar aggregate classification (germline): Benign/Likely benign. Review status: criteria provided, multiple submitters, no conflicts (2 of 4 stars). 5 submissions from 5 submitters: Benign (2); Likely benign (2). 1 of the submissions does not count toward it. Last evaluated 2026-02-02.

Conditions:
AVPR2-related disorder. Also called: AVPR2-related condition.
Diabetes insipidus, nephrogenic, X-linked. Also called: Nephrogenic Diabetes Insipidus, Type I. Identifiers: Orphanet 223, MedGen C1563705, MONDO:0010581, OMIM 304800.
Nephrogenic syndrome of inappropriate antidiuresis (NSIAD). Identifiers: Orphanet 93606, MedGen C1845202, MONDO:0010356, OMIM 300539.

Allele frequency attached by ClinVar (database versions not stated): gnomAD exomes 0.00011 and 0.00031; ExAC 0.00050; 1000 Genomes Project 0.00053; 1000 Genomes Project 30x 0.00083; gnomAD 0.00123 and 0.00133; ESP Exome Variant Server 0.00134; TOPMed 0.00139.

Submissions (5):

Labcorp Genetics (formerly Invitae), Labcorp
Classification: Benign. Last evaluated: 2026-02-02. Review status: criteria provided, single submitter. Criteria: Invitae Variant Classification Sherloc (09022015). Collection method: clinical testing. Allele origin: germline.

Blueprint Genetics
Classification: Likely benign. Last evaluated: 2024-11-14. Review status: criteria provided, single submitter. Criteria: ACMG Guidelines, 2015. Collection method: clinical testing. Allele origin: germline.

Fulgent Genetics
Classification: Likely benign for Nephrogenic syndrome of inappropriate antidiuresis; Diabetes insipidus, nephrogenic, X-linked. Last evaluated: 2021-10-08. Review status: criteria provided, single submitter. Criteria: ACMG Guidelines, 2015. Collection method: clinical testing. Allele origin: unknown.

Illumina Laboratory Services, Illumina
Classification: Benign for Diabetes insipidus, nephrogenic, X-linked. Last evaluated: 2018-01-13. Review status: criteria provided, single submitter. Criteria: ICSL Variant Classification Criteria 13 December 2019. Collection method: clinical testing. Allele origin: germline.
Comment: This variant was observed in the ICSL laboratory as part of a predisposition screen in an ostensibly healthy population. It had not been previously curated by ICSL or reported in the Human Gene Mutation Database (HGMD: prior to June 1st, 2018), and was therefore a candidate for classification through an automated scoring system. Utilizing variant allele frequency, disease prevalence and penetrance estimates, and inheritance mode, an automated score was calculated to assess if this variant is too frequent to cause the disease. Based on the score and internal cut-off values, a variant classified as benign is not then subjected to further curation. The score for this variant resulted in a classification of benign for this disease.

PreventionGenetics, part of Exact Sciences
Classification: Likely benign for AVPR2-related condition. Last evaluated: 2019-07-15. Review status: no assertion criteria provided. Collection method: clinical testing. Allele origin: germline. Not counted in ClinVar's aggregate classification.
Comment: This variant is classified as likely benign based on ACMG/AMP sequence variant interpretation guidelines (Richards et al. 2015 PMID: 25741868, with internal and published modifications).